The following is an entry in ClinVar:

NM_001199138.2(NLRC4):c.548C>A (p.Ala183Asp)

Gene: NLRC4 (NLR family CARD domain containing 4; minus strand). Cytogenetic location: 2p22.3.
Variant type: single nucleotide variant.
Coding change: c.548C>A on transcript NM_001199138.2 (MANE Select); coding-DNA position 548, C replaced by A.
Protein change: p.Ala183Asp; replaces alanine 183 with aspartic acid.
Molecular consequence: missense variant. On other transcripts: intron variant (1).
Genome position (GRCh38, 1-based): chr2:32,251,316, G>T on the plus strand (C>A on the coding strand, the complement: NLRC4 is on the minus strand). VCF-style: chr2-32251316-G-T. GRCh37 (hg19) VCF-style: chr2-32476385-G-T.
Other names: c.548C>A, p.Ala183Asp (NM_001199139.2, NM_021209.5); c.262+1103C>A (NM_001302504.1); short protein forms A183D.
Identifiers: ClinVar variation 3757965 (VCV003757965.2).

ClinVar aggregate classification (germline): Uncertain significance (1 of 4 stars; one submission).

Conditions:
Periodic fever-infantile enterocolitis-autoinflammatory syndrome. Also called: Autoinflammation with infantile enterocolitis. Identifiers: Orphanet 436166, MedGen C4015067, MONDO:0014472, OMIM 616050.
Familial cold autoinflammatory syndrome 4 (FCAS4). Identifiers: Orphanet 47045, Orphanet 576349, MedGen C4015276, MONDO:0014498, OMIM 616115.

Submission:

Labcorp Genetics (formerly Invitae), Labcorp
Classification: Uncertain significance for Periodic fever-infantile enterocolitis-autoinflammatory syndrome; Familial cold autoinflammatory syndrome 4. Last evaluated: 2024-09-03. Review status: criteria provided, single submitter. Criteria: Invitae Variant Classification Sherloc (09022015). Collection method: clinical testing. Allele origin: germline.
Comment: This sequence change replaces alanine, which is neutral and non-polar, with aspartic acid, which is acidic and polar, at codon 183 of the NLRC4 protein (p.Ala183Asp). This variant is present in population databases (no rsID available, gnomAD 0.01%). This variant has not been reported in the literature in individuals affected with NLRC4-related conditions. Invitae Evidence Modeling of protein sequence and biophysical properties (such as structural, functional, and spatial information, amino acid conservation, physicochemical variation, residue mobility, and thermodynamic stability) indicates that this missense variant is expected to disrupt NLRC4 protein function with a positive predictive value of 80%. In summary, the available evidence is currently insufficient to determine the role of this variant in disease. Therefore, it has been classified as a Variant of Uncertain Significance.